The following is an entry in ClinVar:

NM_006506.5(RASA2):c.2398A>G (p.Ile800Val)

Gene: RASA2 (RAS p21 protein activator 2; plus strand). Cytogenetic location: 3q23.
Variant type: single nucleotide variant.
Coding change: c.2398A>G on transcript NM_006506.5 (MANE Select); coding-DNA position 2398, A replaced by G.
Protein change: p.Ile800Val; replaces isoleucine 800 with valine.
Molecular consequence: missense variant.
Genome position (GRCh38, 1-based): chr3:141,609,945, A>G. VCF-style: chr3-141609945-A-G. GRCh37 (hg19) VCF-style: chr3-141328787-A-G.
Other names: c.2401A>G, p.Ile801Val (NM_001303245.3); c.2410A>G, p.Ile804Val (NM_001303246.3); short protein forms I800V, I801V, I804V.
Identifiers: ClinVar variation 3345080 (VCV003345080.1).
Genomic context (GRCh38, chr3:141,609,945, plus strand): 5'-GGAACTATTGCAGTCTATCAAGGACCACAGAAAGAGCCTGATGATTATTCTAACTTTGTA[A>G]TCGAGGATTCTGTAACAACCTTTAAGACAATTCAGCAAATAAAAAGCATAATTGAGAAGC-3'
Protein context (NP_006497.2, residues 790-810): KEPDDYSNFV[Ile800Val]EDSVTTFKTI

ClinVar aggregate classification (germline): Uncertain significance (0 of 4 stars; one submission).

Conditions:
RASA2-related disorder. Also called: RASA2-related condition.

gnomAD v4.1: 6 of 1,608,334 alleles (0.00037%); highest among the groups gnomAD compares: Non-Finnish European, 0.00051%; no homozygotes.

Submission:

PreventionGenetics, part of Exact Sciences
Classification: Uncertain significance for RASA2-related condition. Last evaluated: 2024-09-01. Review status: no assertion criteria provided. Collection method: clinical testing. Allele origin: germline.
Comment: The RASA2 c.2410A>G variant is predicted to result in the amino acid substitution p.Ile804Val. To our knowledge, this variant has not been reported in the literature. This variant is reported in 0.00089% of alleles in individuals of European (Non-Finnish) descent in gnomAD. At this time, the clinical significance of this variant is uncertain due to the absence of conclusive functional and genetic evidence.